The following is an entry in ClinVar:

ClinVar aggregate classification (germline): Uncertain significance (1 of 4 stars; one submission).

Allele frequency attached by ClinVar (database versions not stated): ExAC below 0.00001; TOPMed 0.00001; gnomAD 0.00002.
gnomAD v4.1: 3 of 1,201,339 alleles (0.00025%); highest among the groups gnomAD compares: Non-Finnish European, 0.00034%; no homozygotes.

Submission:

Labcorp Genetics (formerly Invitae), Labcorp
Classification: Uncertain significance. Last evaluated: 2022-03-10. Review status: criteria provided, single submitter. Criteria: Invitae Variant Classification Sherloc (09022015). Collection method: clinical testing. Allele origin: germline.
Comment: ClinVar contains an entry for this variant (Variation ID: 1025422). Algorithms developed to predict the effect of missense changes on protein structure and function are either unavailable or do not agree on the potential impact of this missense change (SIFT: "Deleterious"; PolyPhen-2: "Possibly Damaging"; Align-GVGD: "Class C0"). In summary, the available evidence is currently insufficient to determine the role of this variant in disease. Therefore, it has been classified as a Variant of Uncertain Significance. This variant has not been reported in the literature in individuals affected with NYX-related conditions. This variant is not present in population databases (gnomAD no frequency). This sequence change replaces glycine, which is neutral and non-polar, with arginine, which is basic and polar, at codon 450 of the NYX protein (p.Gly450Arg).

NM_001378477.3(NYX):c.1333G>C (p.Gly445Arg)

Gene: NYX (nyctalopin; plus strand). Cytogenetic location: Xp11.4.
Variant type: single nucleotide variant.
Coding change: c.1333G>C on transcript NM_001378477.3 (MANE Select); coding-DNA position 1333, G replaced by C.
Protein change: p.Gly445Arg; replaces glycine 445 with arginine.
Molecular consequence: missense variant.
Genome position (GRCh38, 1-based): chrX:41,474,801, G>C. VCF-style: chrX-41474801-G-C. GRCh37 (hg19) VCF-style: chrX-41334054-G-C.
Other names: c.1333G>C, p.Gly445Arg (NM_022567.3); short protein forms G445R.
Identifiers: ClinVar variation 1025422 (VCV001025422.10), dbSNP rs761237969, ClinGen allele CA10389946.